The following is an entry in ClinVar:

NM_001351132.2(PEX5):c.1690A>G (p.Ile564Val)

Gene: PEX5 (peroxisomal biogenesis factor 5; plus strand). Cytogenetic location: 12p13.31.
Variant type: single nucleotide variant.
Coding change: c.1690A>G on transcript NM_001351132.2 (MANE Select); coding-DNA position 1690, A replaced by G.
Protein change: p.Ile564Val; replaces isoleucine 564 with valine.
Molecular consequence: missense variant.
Genome position (GRCh38, 1-based): chr12:7,209,812, A>G. VCF-style: chr12-7209812-A-G. GRCh37 (hg19) VCF-style: chr12-7362408-A-G.
Other names: c.1666A>G, p.Ile556Val (NM_000319.5); c.1735A>G, p.Ile579Val (NM_001131023.2); c.1579A>G, p.Ile527Val (NM_001131024.2, NM_001351124.3, NM_001351126.2 and 7 more transcripts); c.1690A>G, p.Ile564Val (NM_001131025.2, NM_001131026.2, NM_001300789.3 and 4 more transcripts); c.1624A>G, p.Ile542Val (NM_001351135.3, NM_001351138.2); c.1681A>G, p.Ile561Val (NM_001351136.2); c.1555A>G, p.Ile519Val (NM_001351139.2, NM_001351140.2, NM_001374649.2); c.1690A>G (NM_001131025.1); short protein forms I519V, I527V, I542V, I556V, I561V, I564V, I579V.
Identifiers: ClinVar variation 1004355 (VCV001004355.4), dbSNP rs778897851, ClinGen allele CA6426546.

ClinVar aggregate classification (germline): Uncertain significance. Review status: criteria provided, multiple submitters, no conflicts (2 of 4 stars). 2 submissions from 2 submitters: Uncertain significance (2). Last evaluated 2024-04-01.

Conditions:
Inborn genetic diseases. Identifiers: MedGen C0950123, MeSH D030342.
Peroxisome biogenesis disorder 2B (PBD2B). Identifiers: Orphanet 44, MedGen C3550234, MONDO:0008736, OMIM 202370.

Allele frequency attached by ClinVar (database versions not stated): ExAC 0.00001.
gnomAD v4.1: 1 of 1,614,206 alleles (0.000062%); no homozygotes.

Submissions (2):

Ambry Genetics
Classification: Uncertain significance for Inborn genetic diseases. Last evaluated: 2024-04-01. Review status: criteria provided, single submitter. Criteria: Ambry Variant Classification Scheme 2023. Collection method: clinical testing. Allele origin: germline.

Labcorp Genetics (formerly Invitae), Labcorp
Classification: Uncertain significance for Peroxisome biogenesis disorder 2B. Last evaluated: 2022-05-29. Review status: criteria provided, single submitter. Criteria: Invitae Variant Classification Sherloc (09022015). Collection method: clinical testing. Allele origin: germline.
Comment: This sequence change replaces isoleucine, which is neutral and non-polar, with valine, which is neutral and non-polar, at codon 564 of the PEX5 protein (p.Ile564Val). This variant is present in population databases (rs778897851, gnomAD 0.0009%). This variant has not been reported in the literature in individuals affected with PEX5-related conditions. ClinVar contains an entry for this variant (Variation ID: 1004355). Algorithms developed to predict the effect of missense changes on protein structure and function are either unavailable or do not agree on the potential impact of this missense change (SIFT: "Tolerated"; PolyPhen-2: "Probably Damaging"; Align-GVGD: "Class C0"). In summary, the available evidence is currently insufficient to determine the role of this variant in disease. Therefore, it has been classified as a Variant of Uncertain Significance.